The following is an entry in ClinVar:

ClinVar aggregate classification (germline): Likely benign. Review status: criteria provided, multiple submitters, no conflicts (2 of 4 stars). 3 submissions from 3 submitters: Likely benign (3). Last evaluated 2026-04-13.

Conditions:
Hereditary cancer-predisposing syndrome. Also called: Hereditary Cancer Syndrome; Hereditary neoplastic syndrome; Neoplastic Syndromes, Hereditary; Tumor predisposition. Identifiers: Orphanet 140162, MedGen C0027672, MeSH D009386, MONDO:0015356.
DICER1-related tumor predisposition. Also called: DICER1-related pleuropulmonary blastoma cancer predisposition syndrome; DICER1 syndrome. Identifiers: Orphanet 284343, MedGen C3839822, MONDO:0100216.

Submissions (3):

Myriad Genetics, Inc.
Classification: Likely benign for DICER1-related tumor predisposition. Last evaluated: 2026-04-13. Review status: criteria provided, single submitter. Criteria: Myriad Autosomal Dominant, Autosomal Recessive and X-Linked Classification Criteria (2023). Collection method: clinical testing. Allele origin: unknown.
Comment: This variant is considered likely benign. This variant is intronic and is not expected to impact mRNA splicing.

Labcorp Genetics (formerly Invitae), Labcorp
Classification: Likely benign for DICER1-related tumor predisposition. Last evaluated: 2025-07-31. Review status: criteria provided, single submitter. Criteria: Invitae Variant Classification Sherloc (09022015). Collection method: clinical testing. Allele origin: germline.

Ambry Genetics
Classification: Likely benign for Hereditary cancer-predisposing syndrome. Last evaluated: 2024-07-24. Review status: criteria provided, single submitter. Criteria: Ambry Variant Classification Scheme 2023. Collection method: clinical testing. Allele origin: germline.

NM_177438.3(DICER1):c.1753-4T>C

Gene: DICER1 (dicer 1, ribonuclease III; minus strand). Cytogenetic location: 14q32.13.
Variant type: single nucleotide variant.
Coding change: c.1753-4T>C on transcript NM_177438.3 (MANE Select); 4 bases into the intron before coding-DNA position 1753, T replaced by C.
Molecular consequence: intron variant.
Genome position (GRCh38, 1-based): chr14:95,115,825, A>G on the plus strand (T>C on the coding strand, the complement: DICER1 is on the minus strand). VCF-style: chr14-95115825-A-G. GRCh37 (hg19) VCF-style: chr14-95582162-A-G.
Other names: c.1753-4T>C (NM_001291628.2, NM_030621.4, NM_001395677.1 and 12 more transcripts); c.1348-4T>C (NM_001395690.1, NM_001395687.1, NM_001395689.1 and 3 more transcripts); c.1471-4T>C (NM_001395686.1); c.1186-4T>C (NM_001395691.1); c.70-4T>C (NM_001395697.1).
Identifiers: ClinVar variation 3501851 (VCV003501851.3).
Genomic context (GRCh38, chr14:95,115,825, plus strand): 5'-AGGATCAATGTCAGTCTCACCAGTATCAACCGACTTGGAACACTTGTTTCTCAAGATCTG[A>G]ACATTTAAAAAACAGAACTTATGATGAAAACACATCCTCTCTGCTGTATGCTGTCTGCCT-3'